The following is an entry in ClinVar:

ClinVar aggregate classification (germline): Likely benign (1 of 4 stars; one submission).

Conditions:
ABCD3-related disorder. Also called: ABCD3-related condition.

Submission:

PreventionGenetics, part of Exact Sciences
Classification: Likely benign for ABCD3-related condition. Last evaluated: 2026-01-23. Review status: criteria provided, single submitter. Criteria: ACMG Guidelines, 2015. Collection method: clinical testing. Allele origin: germline.
Comment: This variant is classified as likely benign based on ACMG/AMP sequence variant interpretation guidelines (Richards et al. 2015 PMID: 25741868, with internal and published modifications).

NM_002858.4(ABCD3):c.1465-7T>G

Gene: ABCD3 (ATP binding cassette subfamily D member 3; plus strand). Cytogenetic location: 1p21.3.
Variant type: single nucleotide variant.
Coding change: c.1465-7T>G on transcript NM_002858.4 (MANE Select); 7 bases into the intron before coding-DNA position 1465, T replaced by G.
Molecular consequence: intron variant.
Genome position (GRCh38, 1-based): chr1:94,498,776, T>G. VCF-style: chr1-94498776-T-G. GRCh37 (hg19) VCF-style: chr1-94964332-T-G.
Identifiers: ClinVar variation 4992494 (VCV004992494.1).